The following is an entry in ClinVar:

NM_001378454.1(ALMS1):c.214G>T (p.Glu72Ter)

Gene: ALMS1 (ALMS1 centrosome and basal body associated protein; plus strand). Cytogenetic location: 2p13.1.
Variant type: single nucleotide variant.
Coding change: c.214G>T on transcript NM_001378454.1 (MANE Select); coding-DNA position 214, G replaced by T.
Protein change: p.Glu72Ter; replaces glutamic acid 72 with a stop codon.
Molecular consequence: nonsense.
Genome position (GRCh38, 1-based): chr2:73,386,082, G>T. VCF-style: chr2-73386082-G-T. GRCh37 (hg19) VCF-style: chr2-73613210-G-T.
Other names: c.217G>T, p.Glu73Ter (NM_015120.4); short protein forms E72*, E73*.
Identifiers: ClinVar variation 2852009 (VCV002852009.5), dbSNP rs2465971353, ClinGen allele CA347250848.

ClinVar aggregate classification (germline): Pathogenic/Likely pathogenic. Review status: criteria provided, multiple submitters, no conflicts (2 of 4 stars). 2 submissions from 2 submitters: Pathogenic (1); Likely pathogenic (1). Last evaluated 2025-11-05.

Conditions:
Alstrom syndrome (ALMS). Identifiers: Orphanet 64, MedGen C0268425, MONDO:0008763, OMIM 203800.

Submissions (2):

Labcorp Genetics (formerly Invitae), Labcorp
Classification: Pathogenic for Alstrom syndrome. Last evaluated: 2025-11-05. Review status: criteria provided, single submitter. Criteria: Invitae Variant Classification Sherloc (09022015). Collection method: clinical testing. Allele origin: germline.
Comment: This sequence change creates a premature translational stop signal (p.Glu73*) in the ALMS1 gene. It is expected to result in an absent or disrupted protein product. Loss-of-function variants in ALMS1 are known to be pathogenic (PMID: 17594715). This variant is not present in population databases (gnomAD no frequency). This variant has not been reported in the literature in individuals affected with ALMS1-related conditions. ClinVar contains an entry for this variant (Variation ID: 2852009). For these reasons, this variant has been classified as Pathogenic.

Natera, Inc.
Classification: Likely pathogenic for Alstrom syndrome. Last evaluated: 2025-04-22. Review status: criteria provided, single submitter. Criteria: Natera Variant Classification Schema (03/2026). Collection method: clinical testing. Allele origin: germline.
Comment: The c.217G>T variant in ALMS1 is a nonsense variant predicted to introduce a stop codon at amino acid 73. This variant is expected to result in nonsense mediated decay, truncation, or a dysfunctional protein product. This variant is rare in the general population with a frequency below the threshold expected for the associated phenotype(s). Given the available evidence, this variant is classified as Likely Pathogenic.

Literature cited by the submitters: PubMed 17594715 (cited by Labcorp Genetics (formerly Invitae), Labcorp).